The following is an entry in ClinVar:

NM_001377299.1(NDUFS2):c.939G>A (p.Gln313=)

Gene: NDUFS2 (NADH:ubiquinone oxidoreductase core subunit S2; plus strand). Cytogenetic location: 1q23.3.
Variant type: single nucleotide variant.
Coding change: c.939G>A on transcript NM_001377299.1 (MANE Select); coding-DNA position 939, G replaced by A.
Protein change: p.Gln313=; no amino-acid change (glutamine 313 retained).
Molecular consequence: synonymous variant. On other transcripts: non-coding transcript variant (1).
Genome position (GRCh38, 1-based): chr1:161,210,663, G>A. VCF-style: chr1-161210663-G-A. GRCh37 (hg19) VCF-style: chr1-161180453-G-A.
Other names: c.939G>A, p.Gln313= (NM_001166159.2, NM_001377298.1, NM_001377300.1 and 3 more transcripts).
Identifiers: ClinVar variation 516428 (VCV000516428.1), dbSNP rs1160043028, ClinGen allele CA421416744.

ClinVar aggregate classification (germline): Likely benign (1 of 4 stars; one submission).

Allele frequency attached by ClinVar (database versions not stated): TOPMed below 0.00001; gnomAD 0.00001.
gnomAD v4.1: 2 of 1,614,038 alleles (0.00012%); highest among the groups gnomAD compares: Admixed American, 0.0017%; no homozygotes.

Submission:

GeneDx
Classification: Likely benign. Last evaluated: 2018-02-22. Review status: criteria provided, single submitter. Criteria: GeneDx Variant Classification (06012015). Collection method: clinical testing. Allele origin: germline. Affected: yes.
Comment: This variant is considered likely benign or benign based on one or more of the following criteria: it is a conservative change, it occurs at a poorly conserved position in the protein, it is predicted to be benign by multiple in silico algorithms, and/or has population frequency not consistent with disease.